The following is an entry in ClinVar:

ClinVar aggregate classification (germline): Uncertain significance (1 of 4 stars; one submission).

Submission:

Women's Health and Genetics/Laboratory Corporation of America, LabCorp
Classification: Uncertain significance. Last evaluated: 2024-09-25. Review status: criteria provided, single submitter. Criteria: LabCorp Variant Classification Summary - May 2015. Collection method: clinical testing. Allele origin: germline.
Comment: Variant summary: SYNE1 c.18109A>G (p.Thr6037Ala) results in a non-conservative amino acid change in the encoded protein sequence. Four of five in-silico tools predict a benign effect of the variant on protein function. The variant was absent in 251212 control chromosomes. The available data on variant occurrences in the general population are insufficient to allow any conclusion about variant significance. To our knowledge, no occurrence of c.18109A>G in individuals affected with SYNE1-Related Disorders and no experimental evidence demonstrating its impact on protein function have been reported. No submitters have cited clinical-significance assessments for this variant to ClinVar. Based on the evidence outlined above, the variant was classified as uncertain significance.

NM_182961.4(SYNE1):c.18322A>G (p.Thr6108Ala)

Gene: SYNE1 (spectrin repeat containing nuclear envelope protein 1; minus strand). Cytogenetic location: 6q25.2.
Variant type: single nucleotide variant.
Coding change: c.18322A>G on transcript NM_182961.4 (MANE Select); coding-DNA position 18322, A replaced by G.
Protein change: p.Thr6108Ala; replaces threonine 6108 with alanine.
Molecular consequence: missense variant.
Genome position (GRCh38, 1-based): chr6:152,281,866, T>C on the plus strand (A>G on the coding strand, the complement: SYNE1 is on the minus strand). VCF-style: chr6-152281866-T-C. GRCh37 (hg19) VCF-style: chr6-152603001-T-C.
Other names: c.18109A>G, p.Thr6037Ala (NM_033071.5); short protein forms T6037A, T6108A.
Identifiers: ClinVar variation 3375222 (VCV003375222.1).